The following is an entry in ClinVar:

ClinVar aggregate classification (germline): Uncertain significance (1 of 4 stars; one submission).

Conditions:
Inborn genetic diseases. Identifiers: MedGen C0950123, MeSH D030342.

Submission:

Ambry Genetics
Classification: Uncertain significance for Inborn genetic diseases. Last evaluated: 2023-11-25. Review status: criteria provided, single submitter. Criteria: Ambry Variant Classification Scheme 2023. Collection method: clinical testing. Allele origin: germline.
Comment: The p.D2352E variant (also known as c.7056T>G), located in coding exon 42 of the ATR gene, results from a T to G substitution at nucleotide position 7056. The aspartic acid at codon 2352 is replaced by glutamic acid, an amino acid with highly similar properties. This amino acid position is conserved. In addition, this alteration is predicted to be deleterious by in silico analysis. Since supporting evidence is limited at this time, the clinical significance of this alteration remains unclear.

NM_001184.4(ATR):c.7056T>G (p.Asp2352Glu)

Gene: ATR (ATR checkpoint kinase; minus strand). Cytogenetic location: 3q23.
Variant type: single nucleotide variant.
Coding change: c.7056T>G on transcript NM_001184.4 (MANE Select); coding-DNA position 7056, T replaced by G.
Protein change: p.Asp2352Glu; replaces aspartic acid 2352 with glutamic acid.
Molecular consequence: missense variant.
Genome position (GRCh38, 1-based): chr3:142,462,076, A>C on the plus strand (T>G on the coding strand, the complement: ATR is on the minus strand). VCF-style: chr3-142462076-A-C. GRCh37 (hg19) VCF-style: chr3-142180918-A-C.
Other names: c.6864T>G, p.Asp2288Glu (NM_001354579.2); short protein forms D2288E, D2352E.
Identifiers: ClinVar variation 3221272 (VCV003221272.1), dbSNP rs2108266295, ClinGen allele CA354799896.